The following is an entry in ClinVar:

ClinVar aggregate classification (germline): Uncertain significance (1 of 4 stars; one submission).

Submission:

Ambry Genetics
Classification: Uncertain significance. Last evaluated: 2024-04-18. Review status: criteria provided, single submitter. Criteria: Ambry Variant Classification Scheme 2023. Collection method: clinical testing. Allele origin: germline.
Comment: The p.L91F variant (also known as c.271C>T), located in coding exon 3 of the BUB3 gene, results from a C to T substitution at nucleotide position 271. The leucine at codon 91 is replaced by phenylalanine, an amino acid with highly similar properties. This amino acid position is conserved. In addition, this alteration is predicted to be tolerated by in silico analysis. Based on the available evidence, the clinical significance of this variant remains unclear.

NM_004725.4(BUB3):c.271C>T (p.Leu91Phe)

Gene: BUB3 (BUB3 mitotic checkpoint protein; plus strand). Cytogenetic location: 10q26.13.
Variant type: single nucleotide variant.
Coding change: c.271C>T on transcript NM_004725.4 (MANE Select); coding-DNA position 271, C replaced by T.
Protein change: p.Leu91Phe; replaces leucine 91 with phenylalanine.
Molecular consequence: missense variant.
Genome position (GRCh38, 1-based): chr10:123,157,734, C>T. VCF-style: chr10-123157734-C-T. GRCh37 (hg19) VCF-style: chr10-124917250-C-T.
Other names: c.271C>T, p.Leu91Phe (NM_001007793.3); short protein forms L91F.
Identifiers: ClinVar variation 3262297 (VCV003262297.1).